The following is an entry in ClinVar:

NM_000428.3(LTBP2):c.4159C>T (p.Arg1387Cys)

Gene: LTBP2 (latent transforming growth factor beta binding protein 2; minus strand). Cytogenetic location: 14q24.3.
Variant type: single nucleotide variant.
Coding change: c.4159C>T on transcript NM_000428.3 (MANE Select); coding-DNA position 4159, C replaced by T.
Protein change: p.Arg1387Cys; replaces arginine 1387 with cysteine.
Molecular consequence: missense variant.
Genome position (GRCh38, 1-based): chr14:74,506,066, G>A on the plus strand (C>T on the coding strand, the complement: LTBP2 is on the minus strand). VCF-style: chr14-74506066-G-A. GRCh37 (hg19) VCF-style: chr14-74972769-G-A.
Other names: short protein forms R1387C.
Identifiers: ClinVar variation 885540 (VCV000885540.7), dbSNP rs747333533, ClinGen allele CA7268863.

ClinVar aggregate classification (germline): Uncertain significance. Review status: criteria provided, multiple submitters, no conflicts (2 of 4 stars). 4 submissions from 3 submitters: Uncertain significance (4). Last evaluated 2025-06-19.

Conditions:
Weill-Marchesani syndrome. Also called: WM Syndrome; Mesodermal dysmorphodystrophy congenital. Identifiers: Orphanet 3449, MedGen C0265313, MONDO:0018096.
Glaucoma 3, primary congenital, D. Identifiers: Orphanet 98976, MedGen C2751316, MONDO:0013122, OMIM 613086.
Inborn genetic diseases. Identifiers: MedGen C0950123, MeSH D030342.

Allele frequency attached by ClinVar (database versions not stated): TOPMed 0.00002; ExAC 0.00003; gnomAD 0.00003; gnomAD exomes 0.00003 and 0.00004.
gnomAD v4.1: 63 of 1,614,016 alleles (0.0039%); highest among the groups gnomAD compares: Non-Finnish European, 0.0044%; no homozygotes.

Submissions (4):

Labcorp Genetics (formerly Invitae), Labcorp
Classification: Uncertain significance. Last evaluated: 2025-06-19. Review status: criteria provided, single submitter. Criteria: Invitae Variant Classification Sherloc (09022015). Collection method: clinical testing. Allele origin: germline.
Comment: This sequence change replaces arginine, which is basic and polar, with cysteine, which is neutral and slightly polar, at codon 1387 of the LTBP2 protein (p.Arg1387Cys). This variant is present in population databases (rs747333533, gnomAD 0.02%). This variant has not been reported in the literature in individuals affected with LTBP2-related conditions. ClinVar contains an entry for this variant (Variation ID: 885540). An algorithm developed to predict the effect of missense changes on protein structure and function (PolyPhen-2) suggests that this variant is likely to be disruptive. In summary, the available evidence is currently insufficient to determine the role of this variant in disease. Therefore, it has been classified as a Variant of Uncertain Significance.

Ambry Genetics
Classification: Uncertain significance for Inborn genetic diseases. Last evaluated: 2025-01-17. Review status: criteria provided, single submitter. Criteria: Ambry Variant Classification Scheme 2023. Collection method: clinical testing. Allele origin: germline.

Illumina Laboratory Services, Illumina
Classification: Uncertain significance for Glaucoma 3, primary congenital, D. Last evaluated: 2018-01-12. Review status: criteria provided, single submitter. Criteria: ICSL Variant Classification Criteria 13 December 2019. Collection method: clinical testing. Allele origin: germline.

Illumina Laboratory Services, Illumina
Classification: Uncertain significance for Weill-Marchesani syndrome. Last evaluated: 2018-01-12. Review status: criteria provided, single submitter. Criteria: ICSL Variant Classification Criteria 13 December 2019. Collection method: clinical testing. Allele origin: germline.